The following is an entry in ClinVar:

NM_001792.5(CDH2):c.1667T>C (p.Ile556Thr)

Gene: CDH2 (cadherin 2; minus strand). Cytogenetic location: 18q12.1.
Variant type: single nucleotide variant.
Coding change: c.1667T>C on transcript NM_001792.5 (MANE Select); coding-DNA position 1667, T replaced by C.
Protein change: p.Ile556Thr; replaces isoleucine 556 with threonine.
Molecular consequence: missense variant.
Genome position (GRCh38, 1-based): chr18:27,988,598, A>G on the plus strand (T>C on the coding strand, the complement: CDH2 is on the minus strand). VCF-style: chr18-27988598-A-G. GRCh37 (hg19) VCF-style: chr18-25568562-A-G.
Other names: c.1667T>C (NM_001792.3); c.1574T>C, p.Ile525Thr (NM_001308176.2); short protein forms I556T, I525T.
Identifiers: ClinVar variation 2077586 (VCV002077586.6), dbSNP rs878964002, ClinGen allele CA297682737.

ClinVar aggregate classification (germline): Uncertain significance. Review status: criteria provided, multiple submitters, no conflicts (2 of 4 stars). 2 submissions from 2 submitters: Uncertain significance (2). Last evaluated 2023-03-11.

Conditions:
Inborn genetic diseases. Identifiers: MedGen C0950123, MeSH D030342.

Allele frequency attached by ClinVar (database versions not stated): gnomAD exomes below 0.00001.
gnomAD v4.1: 2 of 1,609,554 alleles (0.00012%); highest among the groups gnomAD compares: South Asian, 0.0011%; no homozygotes.

Submissions (2):

Ambry Genetics
Classification: Uncertain significance for Inborn genetic diseases. Last evaluated: 2023-03-11. Review status: criteria provided, single submitter. Criteria: Ambry Variant Classification Scheme 2023. Collection method: clinical testing. Allele origin: germline.
Comment: The p.I556T variant (also known as c.1667T>C), located in coding exon 11 of the CDH2 gene, results from a T to C substitution at nucleotide position 1667. The isoleucine at codon 556 is replaced by threonine, an amino acid with similar properties. This amino acid position is conserved. In addition, this alteration is predicted to be tolerated by in silico analysis. Since supporting evidence is limited at this time, the clinical significance of this alteration remains unclear.

Labcorp Genetics (formerly Invitae), Labcorp
Classification: Uncertain significance. Last evaluated: 2022-03-30. Review status: criteria provided, single submitter. Criteria: Invitae Variant Classification Sherloc (09022015). Collection method: clinical testing. Allele origin: germline.
Comment: In summary, the available evidence is currently insufficient to determine the role of this variant in disease. Therefore, it has been classified as a Variant of Uncertain Significance. Algorithms developed to predict the effect of missense changes on protein structure and function (SIFT, PolyPhen-2, Align-GVGD) all suggest that this variant is likely to be tolerated. This variant has not been reported in the literature in individuals affected with CDH2-related conditions. This variant is not present in population databases (gnomAD no frequency). This sequence change replaces isoleucine, which is neutral and non-polar, with threonine, which is neutral and polar, at codon 556 of the CDH2 protein (p.Ile556Thr).